The following is an entry in ClinVar:

NM_020708.5(SLC12A5):c.53G>A (p.Gly18Asp)

Gene: SLC12A5 (solute carrier family 12 member 5; plus strand). Cytogenetic location: 20q13.12.
Variant type: single nucleotide variant.
Coding change: c.53G>A on transcript NM_020708.5 (MANE Select); coding-DNA position 53, G replaced by A.
Protein change: p.Gly18Asp; replaces glycine 18 with aspartic acid.
Molecular consequence: missense variant.
Genome position (GRCh38, 1-based): chr20:46,034,948, G>A. VCF-style: chr20-46034948-G-A. GRCh37 (hg19) VCF-style: chr20-44663587-G-A.
Other names: c.122G>A, p.Gly41Asp (NM_001134771.2); short protein forms G18D, G41D.
Identifiers: ClinVar variation 2759492 (VCV002759492.3), dbSNP rs2515631484, ClinGen allele CA409186842.
Genomic context (GRCh38, chr20:46,034,948, plus strand): 5'-GCCCAGGTGGTTGGACAACAACTGATTGGTTCCAGATCCCTGACCCCTCTCCCTTCTCAG[G>A]TGATGGCAACCCCAAGGAAAGCAGTCCCTTCATCAACAGCACCGACACAGAGAAGGGAAA-3'
Protein context (NP_065759.1, residues 8-28): CEDGDGGANP[Gly18Asp]DGNPKESSPF

ClinVar aggregate classification (germline): Uncertain significance (1 of 4 stars; one submission).

Conditions:
Developmental and epileptic encephalopathy, 34 (DEE34). Also called: SLC12A5-Related Epilepsy of Infancy with Migrating Focal Seizures; Early infantile epileptic encephalopathy 34. Identifiers: Orphanet 293181, MedGen C4225257, MONDO:0014718, OMIM 616645.

Allele frequency attached by ClinVar (database versions not stated): gnomAD exomes below 0.00001.
gnomAD v4.1: 1 of 1,613,960 alleles (0.000062%); highest among the groups gnomAD compares: South Asian, 0.0011%; no homozygotes.

Submission:

Labcorp Genetics (formerly Invitae), Labcorp
Classification: Uncertain significance for Developmental and epileptic encephalopathy, 34. Last evaluated: 2023-09-10. Review status: criteria provided, single submitter. Criteria: Invitae Variant Classification Sherloc (09022015). Collection method: clinical testing. Allele origin: germline.
Comment: This sequence change replaces glycine, which is neutral and non-polar, with aspartic acid, which is acidic and polar, at codon 18 of the SLC12A5 protein (p.Gly18Asp). This variant is not present in population databases (gnomAD no frequency). This variant has not been reported in the literature in individuals affected with SLC12A5-related conditions. An algorithm developed to predict the effect of missense changes on protein structure and function (PolyPhen-2) suggests that this variant is likely to be disruptive. In summary, the available evidence is currently insufficient to determine the role of this variant in disease. Therefore, it has been classified as a Variant of Uncertain Significance.